The following is an entry in ClinVar:

NM_021167.5(GATAD1):c.575T>C (p.Leu192Pro)

Gene: GATAD1 (GATA zinc finger domain containing 1; plus strand). Cytogenetic location: 7q21.2.
Variant type: single nucleotide variant.
Coding change: c.575T>C on transcript NM_021167.5 (MANE Select); coding-DNA position 575, T replaced by C.
Protein change: p.Leu192Pro; replaces leucine 192 with proline.
Molecular consequence: missense variant. On other transcripts: non-coding transcript variant (1).
Genome position (GRCh38, 1-based): chr7:92,454,641, T>C. VCF-style: chr7-92454641-T-C. GRCh37 (hg19) VCF-style: chr7-92083955-T-C.
Other names: short protein forms L192P.
Identifiers: ClinVar variation 373242 (VCV000373242.11), dbSNP rs370960226, ClinGen allele CA16042738.

ClinVar aggregate classification (germline): Uncertain significance. Review status: criteria provided, multiple submitters, no conflicts (2 of 4 stars). 3 submissions from 3 submitters: Uncertain significance (3). Last evaluated 2025-08-27.

Conditions:
Cardiovascular phenotype. Identifiers: MedGen CN230736.
Dilated cardiomyopathy 2B. Identifiers: Orphanet 154, MedGen C3553409, MONDO:0013848, OMIM 614672.

Submissions (3):

Ambry Genetics
Classification: Uncertain significance for Cardiovascular phenotype. Last evaluated: 2025-08-27. Review status: criteria provided, single submitter. Criteria: Ambry Variant Classification Scheme 2023. Collection method: clinical testing. Allele origin: germline.

Labcorp Genetics (formerly Invitae), Labcorp
Classification: Uncertain significance for Dilated cardiomyopathy 2B. Last evaluated: 2021-06-15. Review status: criteria provided, single submitter. Criteria: Invitae Variant Classification Sherloc (09022015). Collection method: clinical testing. Allele origin: germline.
Comment: In summary, the available evidence is currently insufficient to determine the role of this variant in disease. Therefore, it has been classified as a Variant of Uncertain Significance. Algorithms developed to predict the effect of missense changes on protein structure and function are either unavailable or do not agree on the potential impact of this missense change (SIFT: "Deleterious"; PolyPhen-2: "Benign"; Align-GVGD: "Class C0"). This variant has not been reported in the literature in individuals with GATAD1-related conditions. ClinVar contains an entry for this variant (Variation ID: 373242). This variant is not present in population databases (ExAC no frequency). This sequence change replaces leucine with proline at codon 192 of the GATAD1 protein (p.Leu192Pro). The leucine residue is moderately conserved and there is a moderate physicochemical difference between leucine and proline.

GeneDx
Classification: Uncertain significance. Last evaluated: 2016-11-18. Review status: criteria provided, single submitter. Criteria: GeneDx Variant Classification (06012015). Collection method: clinical testing. Allele origin: germline. Affected: yes.
Comment: A variant of uncertain significance has been identified in the GATAD1 gene. The L192P variant has not been published as a pathogenic variant, nor has it been reported as a benign variant to our knowledge. This variant was not observed in approximately 6,500 individuals of European and African American ancestry in the NHLBI Exome Sequencing Project, indicating it is not a common benign variant in these populations. The L192P variant is a semi-conservative amino acid substitution, which may impact secondary protein structure as these residues differ in some properties. However, this substitution occurs at a position that is not conserved across species and in silico analysis suggests this variant likely does not alter the protein structure/function. Therefore, based on the currently available information, it is unclear whether this variant is pathogenic or rare benign.